The following is an entry in ClinVar:

ClinVar aggregate classification (germline): Likely benign (0 of 4 stars; one submission).

Conditions:
MRAP2-related disorder. Also called: MRAP2-related condition.

Submission:

PreventionGenetics, part of Exact Sciences
Classification: Likely benign for MRAP2-related condition. Last evaluated: 2021-07-20. Review status: no assertion criteria provided. Collection method: clinical testing. Allele origin: germline.
Comment: This variant is classified as likely benign based on ACMG/AMP sequence variant interpretation guidelines (Richards et al. 2015 PMID: 25741868, with internal and published modifications).

NM_138409.4(MRAP2):c.228-1866C>T

Gene: MRAP2 (melanocortin 2 receptor accessory protein 2; plus strand). Cytogenetic location: 6q14.2.
Variant type: single nucleotide variant.
Coding change: c.228-1866C>T on transcript NM_138409.4 (MANE Select); 1866 bases into the intron before coding-DNA position 228, C replaced by T.
Molecular consequence: intron variant. On other transcripts: synonymous variant (1).
Genome position (GRCh38, 1-based): chr6:84,087,225, C>T. VCF-style: chr6-84087225-C-T. GRCh37 (hg19) VCF-style: chr6-84796944-C-T.
Other names: c.6C>T, p.Asn2= (NM_001346543.2); c.228-1866C>T (NM_001346542.2, NM_001346544.2); c.-31-1866C>T (NM_001346541.2).
Identifiers: ClinVar variation 3357585 (VCV003357585.1).